The following is an entry in ClinVar:

NM_002907.4(RECQL):c.907G>T (p.Asp303Tyr)

Gene: RECQL (RecQ like helicase; minus strand). Cytogenetic location: 12p12.1.
Variant type: single nucleotide variant.
Coding change: c.907G>T on transcript NM_002907.4 (MANE Select); coding-DNA position 907, G replaced by T.
Protein change: p.Asp303Tyr; replaces aspartic acid 303 with tyrosine.
Molecular consequence: missense variant.
Genome position (GRCh38, 1-based): chr12:21,476,953, C>A on the plus strand (G>T on the coding strand, the complement: RECQL is on the minus strand). VCF-style: chr12-21476953-C-A. GRCh37 (hg19) VCF-style: chr12-21629887-C-A.
Other names: c.907G>T, p.Asp303Tyr (NM_032941.3); short protein forms D303Y.
Identifiers: ClinVar variation 958991 (VCV000958991.15), dbSNP rs1307316955, ClinGen allele CA384123008.

ClinVar aggregate classification (germline): Uncertain significance. Review status: criteria provided, multiple submitters, no conflicts (2 of 4 stars). 3 submissions from 3 submitters: Uncertain significance (3). Last evaluated 2025-10-23.

Allele frequency attached by ClinVar (database versions not stated): gnomAD exomes below 0.00001; gnomAD 0.00001.

Submissions (3):

Ambry Genetics
Classification: Uncertain significance. Last evaluated: 2025-10-23. Review status: criteria provided, single submitter. Criteria: Ambry Variant Classification Scheme 2023. Collection method: clinical testing. Allele origin: germline.
Comment: The p.D303Y variant (also known as c.907G>T), located in coding exon 7 of the RECQL gene, results from a G to T substitution at nucleotide position 907. The aspartic acid at codon 303 is replaced by tyrosine, an amino acid with highly dissimilar properties. This amino acid position is well conserved in available vertebrate species. In addition, the in silico prediction for this alteration is inconclusive. Since supporting evidence is limited at this time, the clinical significance of this alteration remains unclear.

Labcorp Genetics (formerly Invitae), Labcorp
Classification: Uncertain significance. Last evaluated: 2025-04-30. Review status: criteria provided, single submitter. Criteria: Invitae Variant Classification Sherloc (09022015). Collection method: clinical testing. Allele origin: germline.
Comment: This sequence change replaces aspartic acid, which is acidic and polar, with tyrosine, which is neutral and polar, at codon 303 of the RECQL protein (p.Asp303Tyr). The frequency data for this variant in the population databases is considered unreliable, as metrics indicate poor data quality at this position in the gnomAD database. This variant has not been reported in the literature in individuals affected with RECQL-related conditions. ClinVar contains an entry for this variant (Variation ID: 958991). Invitae Evidence Modeling of protein sequence and biophysical properties (such as structural, functional, and spatial information, amino acid conservation, physicochemical variation, residue mobility, and thermodynamic stability) indicates that this missense variant is not expected to disrupt RECQL protein function with a negative predictive value of 80%. Algorithms developed to predict the effect of sequence changes on RNA splicing suggest that this variant may disrupt the consensus splice site. In summary, the available evidence is currently insufficient to determine the role of this variant in disease. Therefore, it has been classified as a Variant of Uncertain Significance.

GeneDx
Classification: Uncertain significance. Last evaluated: 2019-08-28. Review status: criteria provided, single submitter. Criteria: GeneDx Variant Classification Process June 2021. Collection method: clinical testing. Allele origin: germline. Affected: yes.
Comment: Not observed at a significant frequency in large population cohorts (Lek 2016); In silico analysis, which includes protein predictors and evolutionary conservation, supports a deleterious effect; Has not been previously published as pathogenic or benign to our knowledge